The following is an entry in ClinVar:

NM_001035.3(RYR2):c.2823-299G>A

Gene: RYR2 (ryanodine receptor 2; plus strand). Cytogenetic location: 1q43.
Variant type: single nucleotide variant.
Coding change: c.2823-299G>A on transcript NM_001035.3 (MANE Select); 299 bases into the intron before coding-DNA position 2823, G replaced by A.
Molecular consequence: intron variant.
Genome position (GRCh38, 1-based): chr1:237,530,128, G>A. VCF-style: chr1-237530128-G-A. GRCh37 (hg19) VCF-style: chr1-237693428-G-A.
Identifiers: ClinVar variation 673302 (VCV000673302.1), dbSNP rs2779363, ClinGen allele CA15146403.

ClinVar aggregate classification (germline): Benign (1 of 4 stars; one submission).

Allele frequency attached by ClinVar (database versions not stated): gnomAD 0.43656 and 0.43866; TOPMed 0.43247; 1000 Genomes Project 0.43431; 1000 Genomes Project 30x 0.43442.
gnomAD v4.1: 66,130 of 151,638 alleles (44%); highest among the groups gnomAD compares: East Asian, 55%; 14,544 homozygotes.

Submission:

GeneDx
Classification: Benign. Last evaluated: 2018-06-18. Review status: criteria provided, single submitter. Criteria: GeneDx Variant Classification (06012015). Collection method: clinical testing. Allele origin: germline. Affected: yes.
Comment: This variant is considered likely benign or benign based on one or more of the following criteria: it is a conservative change, it occurs at a poorly conserved position in the protein, it is predicted to be benign by multiple in silico algorithms, and/or has population frequency not consistent with disease.